The following is an entry in ClinVar:

ClinVar aggregate classification (germline): Uncertain significance (1 of 4 stars; one submission).

gnomAD v4.1: 1 of 1,546,542 alleles (0.000065%); highest among the groups gnomAD compares: African/African-American, 0.0014%; no homozygotes.

Submission:

Labcorp Genetics (formerly Invitae), Labcorp
Classification: Uncertain significance. Last evaluated: 2025-01-19. Review status: criteria provided, single submitter. Criteria: Invitae Variant Classification Sherloc (09022015). Collection method: clinical testing. Allele origin: germline.
Comment: This sequence change replaces glutamine, which is neutral and polar, with lysine, which is basic and polar, at codon 29 of the COL2A1 protein (p.Gln29Lys). This variant is not present in population databases (gnomAD no frequency). This variant has not been reported in the literature in individuals affected with COL2A1-related conditions. Experimental studies and prediction algorithms are not available or were not evaluated, and the functional significance of this variant is currently unknown. In summary, the available evidence is currently insufficient to determine the role of this variant in disease. Therefore, it has been classified as a Variant of Uncertain Significance.

NM_001844.5(COL2A1):c.85C>A (p.Gln29Lys)

Gene: COL2A1 (collagen type II alpha 1 chain; minus strand). Cytogenetic location: 12q13.11.
Variant type: single nucleotide variant.
Coding change: c.85C>A on transcript NM_001844.5 (MANE Select); coding-DNA position 85, C replaced by A.
Protein change: p.Gln29Lys; replaces glutamine 29 with lysine.
Molecular consequence: missense variant. On other transcripts: synonymous variant (1).
Genome position (GRCh38, 1-based): chr12:48,004,237, G>T on the plus strand (C>A on the coding strand, the complement: COL2A1 is on the minus strand). VCF-style: chr12-48004237-G-T. GRCh37 (hg19) VCF-style: chr12-48398020-G-T.
Other names: c.85C>A, p.Arg29= (NM_033150.3); short protein forms Q29K.
Identifiers: ClinVar variation 3627929 (VCV003627929.2).